The following is an entry in ClinVar:

NM_001042492.3(NF1):c.1846del (p.Gln616fs)

Gene: NF1 (neurofibromin 1; plus strand). Cytogenetic location: 17q11.2.
Variant type: Deletion.
Coding change: c.1846del on transcript NM_001042492.3 (MANE Select); coding-DNA position 1846, one base deleted (C; older notation c.1846delC).
Protein change: p.Gln616fs; shifts the reading frame from glutamine 616.
Molecular consequence: frameshift variant.
Genome position (GRCh38, 1-based): chr17:31,225,095, C deleted. VCF-style (leftmost placement, unchanged base first): chr17-31225094-GC-G. GRCh37 (hg19) VCF-style: chr17-29552112-GC-G.
Other names: c.1846delC, p.Gln616Argfs (NM_000267.4, NM_001042492.2); short protein forms Q616fs.
Identifiers: ClinVar variation 3384017 (VCV003384017.1).

ClinVar aggregate classification (germline): Likely pathogenic (1 of 4 stars; one submission).

Conditions:
Café-au-lait macules with pulmonary stenosis (WTSN). Also called: PULMONIC STENOSIS WITH CAFE-AU-LAIT SPOTS. Identifiers: MedGen C0553586, MONDO:0008672, OMIM 193520.

Submission:

Dubai Health Genomic Medicine Center, Dubai Health
Classification: Likely pathogenic for Watson syndrome. Last evaluated: 2024-10-04. Review status: criteria provided, single submitter. Criteria: ACMG Guidelines, 2015. Collection method: research. Allele origin: germline. Affected: yes.
Comment: PVS1,PM2,PP1